The following continues an entry in ClinVar:

NM_000277.3(PAH):c.533A>G (p.Glu178Gly)

Gene: PAH. ClinVar aggregate classification (germline): Pathogenic. Pathogenic (1).

Submissions 12 to 19 of 19:

Mayo Clinic Laboratories, Mayo Clinic
Classification: Pathogenic. Last evaluated: 2021-09-03. Review status: criteria provided, single submitter. Criteria: ACMG Guidelines, 2015. Collection method: clinical testing. Allele origin: germline. Not counted in ClinVar's aggregate classification.
Comment: PP3, PP4_moderate, PM2, PM3_strong, PS3

Ambry Genetics
Classification: Pathogenic for Inborn genetic diseases. Last evaluated: 2020-07-29. Review status: criteria provided, single submitter. Criteria: Ambry Variant Classification Scheme 2023. Collection method: clinical testing. Allele origin: germline. Not counted in ClinVar's aggregate classification.
Comment: The alteration results in an amino acid change:_x000D_ _x000D_ The c.533A>G (p.E178G) alteration is located in coding exon 6 of the PAH gene. This alteration results from an A to G substitution at nucleotide position 533, causing the glutamic acid (E) at amino acid position 178 to be replaced by a glycine (G). The alteration is rare in population databases:_x000D_ _x000D_ Based on data from the Genome Aggregation Database (gnomAD) database, the PAH c.533A>G alteration was observed in 0.008% (24/282,622) of total alleles studied, with a frequency of 0.01% (19/129,000) in the European (non-Finnish) subpopulation. The alteration has been observed in affected individuals:_x000D_ _x000D_ This alteration has been reported in trans with another mutation in PAH in multiple unrelated patients with phenylalanine hydroxylase (PAH) deficiency (Popescu, 1998; Effat, 1999). The altered amino acid is conserved throughout evolution:_x000D_ _x000D_ The p.E178 amino acid is conserved in available mammalian species. Functional analysis reveals a damaging effect of the amino acid alteration: _x000D_ _x000D_ In vitro expression of the E178G allele showed a decrease of PAH activity to 20-40% compared to wild-type (B&eacute;nit,1999; Zurfl&uuml;h, 2008; Shen, 2016). The alteration is predicted inconclusive by in silico modeling:_x000D_ _x000D_ The in silico prediction for the p.E178G alteration is inconclusive. Based on the available evidence, this alteration is classified as pathogenic.

Eurofins Ntd Llc (ga)
Classification: Pathogenic. Last evaluated: 2017-05-17. Review status: criteria provided, single submitter. Criteria: EGL Classification Definitions 2015. Collection method: clinical testing. Allele origin: germline. Observed: 6 variant alleles, 6 heterozygotes. Not counted in ClinVar's aggregate classification.

Kariminejad - Najmabadi Pathology & Genetics Center
Classification: Pathogenic for Phenylketonuria. Review status: criteria provided, single submitter. Criteria: ACMG Guidelines, 2015. Collection method: clinical testing. Allele origin: germline. Affected: no. Not counted in ClinVar's aggregate classification.

Counsyl
Classification: Pathogenic for Phenylketonuria. Last evaluated: 2016-01-22. Review status: no assertion criteria provided. Collection method: clinical testing. Allele origin: unknown. Not counted in ClinVar's aggregate classification.

Clinical Genetics DNA and cytogenetics Diagnostics Lab, Erasmus MC, Erasmus Medical Center
Classification: Pathogenic. Review status: no assertion criteria provided. Collection method: clinical testing. Allele origin: germline. Affected: yes. Study: VKGL Data-share Consensus. Not counted in ClinVar's aggregate classification.

DeBelle Laboratory for Biochemical Genetics, MUHC/MCH RESEARCH INSTITUTE
No classification provided. Review status: no classification provided. Collection method: not provided. Allele origin: not provided. Not counted in ClinVar's aggregate classification.

Genome Diagnostics Laboratory, University Medical Center Utrecht
Classification: Pathogenic. Review status: no assertion criteria provided. Collection method: clinical testing. Allele origin: germline. Affected: yes. Study: VKGL Data-share Consensus. Not counted in ClinVar's aggregate classification.

Literature cited by the submitters: PubMed 18294361 (cited by 3 submitters); PubMed 17935162 (cited by 7 submitters); PubMed 9634518 (cited by ClinGen PAH Variant Curation Expert Panel and Ambry Genetics); PubMed 7707686 (cited by 4 submitters); PubMed 8632937 (cited by Labcorp Genetics (formerly Invitae), Labcorp and Counsyl); PubMed 10479481 (cited by 7 submitters); PubMed 16198137 (cited by Labcorp Genetics (formerly Invitae), Labcorp and Counsyl); PubMed 18299955 (cited by 3 submitters); PubMed 19948162 (cited by Labcorp Genetics (formerly Invitae), Labcorp and Counsyl); PubMed 22330942 (cited by Labcorp Genetics (formerly Invitae), Labcorp and Counsyl); PubMed 22513348 (cited by Labcorp Genetics (formerly Invitae), Labcorp and Counsyl); PubMed 23357515 (cited by 3 submitters); PubMed 26803807 (cited by 6 submitters); PubMed 26481238 (cited by Natera, Inc.); PubMed 30626930 (cited by Natera, Inc.); PubMed 34828281 (cited by Variantyx, Inc.); PubMed 9825986 (cited by 3 submitters); PubMed 21871829 (cited by Women's Health and Genetics/Laboratory Corporation of America, LabCorp and Counsyl); PubMed 27121329 (cited by Women's Health and Genetics/Laboratory Corporation of America, LabCorp); PubMed 32778825 (cited by AiLife Diagnostics); PubMed 31589614 (cited by AiLife Diagnostics); PubMed 33465300 (cited by AiLife Diagnostics); PubMed 33101986 (cited by AiLife Diagnostics); PubMed 8406445 (cited by Ambry Genetics); PubMed 10196714 (cited by Ambry Genetics); PubMed 17924342 (cited by Counsyl); PubMed 10693064 (cited by Counsyl); PubMed 15557004 (cited by Counsyl); PubMed 17096675 (cited by Counsyl); PubMed 9012412 (cited by Counsyl); PubMed 8659548 (cited by Counsyl); PubMed 10234516 (cited by Counsyl); PubMed 14726806 (cited by Counsyl); PubMed 21147011 (cited by Counsyl); PubMed 24350308 (cited by Counsyl); PubMed 11385716 (cited by Counsyl); PubMed 23842451 (cited by Counsyl).